The following is an entry in ClinVar:

NM_002693.3(POLG):c.2353G>A (p.Gly785Ser)

Gene: POLG (DNA polymerase gamma, catalytic subunit; minus strand). Cytogenetic location: 15q26.1.
Variant type: single nucleotide variant.
Coding change: c.2353G>A on transcript NM_002693.3 (MANE Select); coding-DNA position 2353, G replaced by A.
Protein change: p.Gly785Ser; replaces glycine 785 with serine.
Molecular consequence: missense variant.
Genome position (GRCh38, 1-based): chr15:89,322,815, C>T on the plus strand (G>A on the coding strand, the complement: POLG is on the minus strand). VCF-style: chr15-89322815-C-T. GRCh37 (hg19) VCF-style: chr15-89866046-C-T.
Other names: c.2353G>A, p.Gly785Ser (NM_001126131.2); short protein forms G785S.
Identifiers: ClinVar variation 2891073 (VCV002891073.3), dbSNP rs772867820, ClinGen allele CA7724500.

ClinVar aggregate classification (germline): Uncertain significance (1 of 4 stars; one submission).

Conditions:
Progressive sclerosing poliodystrophy (MTDPS4A). Also called: Mitochondrial DNA depletion syndrome 4A (Alpers type); ALPERS PROGRESSIVE INFANTILE POLIODYSTROPHY; NEURONAL DEGENERATION OF CHILDHOOD WITH LIVER DISEASE, PROGRESSIVE; Alpers Syndrome; ALPERS DIFFUSE DEGENERATION OF CEREBRAL GRAY MATTER WITH HEPATIC CIRRHOSIS; Alpers-Huttenlocher Syndrome. Identifiers: Orphanet 726, MedGen C0205710, MONDO:0008758, OMIM 203700.

Allele frequency attached by ClinVar (database versions not stated): ExAC 0.00001; gnomAD exomes below 0.00001.
gnomAD v4.1: 4 of 1,614,134 alleles (0.00025%); highest among the groups gnomAD compares: South Asian, 0.0011%; no homozygotes.

Submission:

Labcorp Genetics (formerly Invitae), Labcorp
Classification: Uncertain significance for Progressive sclerosing poliodystrophy. Last evaluated: 2023-06-07. Review status: criteria provided, single submitter. Criteria: Invitae Variant Classification Sherloc (09022015). Collection method: clinical testing. Allele origin: germline.
Comment: In summary, the available evidence is currently insufficient to determine the role of this variant in disease. Therefore, it has been classified as a Variant of Uncertain Significance. Advanced modeling of protein sequence and biophysical properties (such as structural, functional, and spatial information, amino acid conservation, physicochemical variation, residue mobility, and thermodynamic stability) performed at Invitae indicates that this missense variant is not expected to disrupt POLG protein function. This variant has not been reported in the literature in individuals affected with POLG-related conditions. This variant is not present in population databases (gnomAD no frequency). This sequence change replaces glycine, which is neutral and non-polar, with serine, which is neutral and polar, at codon 785 of the POLG protein (p.Gly785Ser).